The following is an entry in ClinVar:

NM_182961.4(SYNE1):c.18574-136dup

Gene: SYNE1 (spectrin repeat containing nuclear envelope protein 1; minus strand). Cytogenetic location: 6q25.2.
Variant type: Duplication.
Coding change: c.18574-136dup on transcript NM_182961.4 (MANE Select); 136 bases into the intron before coding-DNA position 18574, one base duplicated (T; older notation c.18574-136dupT).
Molecular consequence: intron variant.
Genome position (GRCh38, 1-based): chr6:152,269,422, A duplicated on the plus strand (T on the coding strand, the reverse complement: SYNE1 is on the minus strand); the first of 8 consecutive A bases (chr6:152,269,422-152,269,429); duplicating any one gives the same sequence. VCF-style (leftmost placement, unchanged base first): chr6-152269421-T-TA. GRCh37 (hg19) VCF-style: chr6-152590556-T-TA.
Other names: c.18361-136dup (NM_033071.5).
Identifiers: ClinVar variation 670189 (VCV000670189.1), dbSNP rs11432378, ClinGen allele CA150173227.

ClinVar aggregate classification (germline): Benign (1 of 4 stars; one submission).

Submission:

GeneDx
Classification: Benign. Last evaluated: 2018-06-18. Review status: criteria provided, single submitter. Criteria: GeneDx Variant Classification (06012015). Collection method: clinical testing. Allele origin: germline. Affected: yes.
Comment: This variant is considered likely benign or benign based on one or more of the following criteria: it is a conservative change, it occurs at a poorly conserved position in the protein, it is predicted to be benign by multiple in silico algorithms, and/or has population frequency not consistent with disease.